The following is an entry in ClinVar:

NM_024422.6(DSC2):c.1985del (p.Thr662fs)

Gene: DSC2 (desmocollin 2; minus strand). Cytogenetic location: 18q12.1.
Variant type: Deletion.
Coding change: c.1985del on transcript NM_024422.6 (MANE Select); coding-DNA position 1985, one base deleted (C; older notation c.1985delC).
Protein change: p.Thr662fs; shifts the reading frame from threonine 662.
Molecular consequence: frameshift variant.
Genome position (GRCh38, 1-based): chr18:31,071,745, G deleted on the plus strand (C on the coding strand, the reverse complement: DSC2 is on the minus strand). VCF-style (leftmost placement, unchanged base first): chr18-31071744-AG-A. GRCh37 (hg19) VCF-style: chr18-28651710-AG-A.
Other names: c.1556del, p.Thr519fs (NM_001406506.1, NM_001406507.1); c.1985del, p.Thr662fs (NM_004949.5); short protein forms T519fs, T662fs.
Identifiers: ClinVar variation 2775175 (VCV002775175.2), dbSNP rs2510940529, ClinGen allele CA2697555376.

ClinVar aggregate classification (germline): Uncertain significance (1 of 4 stars; one submission).

Conditions:
Cardiomyopathy (CMYO). Also called: Cardiomyopathies. Identifiers: Orphanet 167848, MedGen C0878544, MONDO:0004994, HP:0001638. Inheritance: Various modes of inheritance.

Submission:

Color Diagnostics, LLC DBA Color Health
Classification: Uncertain significance for Cardiomyopathy. Last evaluated: 2023-11-02. Review status: criteria provided, single submitter. Criteria: ACMG Guidelines, 2015. Collection method: clinical testing. Allele origin: germline.
Comment: This variant deletes 1 nucleotide in exon 13 of the DSC2 gene, creating a frameshift and premature translation stop signal. This variant is expected to result in an absent or non-functional protein product. To our knowledge, this variant has not been reported in individuals affected with DSC2-related disorders in the literature. This variant has not been identified in the general population by the Genome Aggregation Database (gnomAD). Although there is a suspicion for a pathogenic role, the clinical relevance of loss-of-function DSC2 truncation and splice variants in autosomal dominant arrhythmogenic cardiomyopathy is not yet clearly established. The available evidence is insufficient to determine the role of this variant in disease conclusively. Therefore, this variant is classified as a Variant of Uncertain Significance.